The following is an entry in ClinVar:

NM_152564.5(VPS13B):c.10140C>G (p.His3380Gln)

Gene: VPS13B (vacuolar protein sorting 13 homolog B; plus strand). Cytogenetic location: 8q22.2.
Variant type: single nucleotide variant.
Coding change: c.10140C>G on transcript NM_152564.5 (MANE Select); coding-DNA position 10140, C replaced by G.
Protein change: p.His3380Gln; replaces histidine 3380 with glutamine.
Molecular consequence: missense variant.
Genome position (GRCh38, 1-based): chr8:99,853,529, C>G. VCF-style: chr8-99853529-C-G. GRCh37 (hg19) VCF-style: chr8-100865757-C-G.
Other names: c.10215C>G, p.His3405Gln (NM_017890.5); short protein forms H3380Q, H3405Q.
Identifiers: ClinVar variation 1061322 (VCV001061322.10), dbSNP rs1309702539, ClinGen allele CA371780870.
Genomic context (GRCh38, chr8:99,853,529, plus strand): 5'-TACATTTAAAATGTTCATCACTCAGTTAAGCCTGGCAGTGTTTGATGACCTCACCCACCA[C>G]AAAGCATCAGCTGAGCTTCTGAGACTCACACTGGACAACATTTTTCTCTGTGTGGCCCCG-3'
Protein context (NP_689777.3, residues 3370-3390): SLAVFDDLTH[His3380Gln]KASAELLRLT

ClinVar aggregate classification (germline): Uncertain significance. Review status: criteria provided, single submitter (1 of 4 stars). 2 submissions from 2 submitters: Uncertain significance (1). 1 of the submissions does not count toward it. Last evaluated 2020-09-02.

Conditions:
Cohen syndrome (COH1). Also called: PEPPER SYNDROME; Cutis verticis gyrata, retinitis pigmentosa, and sensorineural deafness. Identifiers: Orphanet 193, MedGen C0265223, MONDO:0008999, OMIM 216550.

gnomAD v4.1: 1 of 1,614,182 alleles (0.000062%); highest among the groups gnomAD compares: Non-Finnish European, 0.000085%; no homozygotes.

Submissions (2):

Labcorp Genetics (formerly Invitae), Labcorp
Classification: Uncertain significance for Cohen syndrome. Last evaluated: 2020-09-02. Review status: criteria provided, single submitter. Criteria: Invitae Variant Classification Sherloc (09022015). Collection method: clinical testing. Allele origin: germline.
Comment: This variant has not been reported in the literature in individuals with VPS13B-related conditions. This variant is not present in population databases (ExAC no frequency). This sequence change replaces histidine with glutamine at codon 3405 of the VPS13B protein (p.His3405Gln). The histidine residue is weakly conserved and there is a small physicochemical difference between histidine and glutamine. Algorithms developed to predict the effect of missense changes on protein structure and function are either unavailable or do not agree on the potential impact of this missense change (SIFT: "Not Available"; PolyPhen-2: "Benign"; Align-GVGD: "Not Available"). In summary, the available evidence is currently insufficient to determine the role of this variant in disease. Therefore, it has been classified as a Variant of Uncertain Significance. Algorithms developed to predict the effect of sequence changes on RNA splicing suggest that this variant may create or strengthen a splice site, but this prediction has not been confirmed by published transcriptional studies.

Natera, Inc.
Classification: Uncertain significance for Cohen syndrome. Last evaluated: 2021-09-08. Review status: no assertion criteria provided. Collection method: clinical testing. Allele origin: germline. Not counted in ClinVar's aggregate classification.